The following is an entry in ClinVar:

NM_024577.4(SH3TC2):c.3002G>A (p.Gly1001Glu)

Gene: SH3TC2 (SH3 domain and tetratricopeptide repeats 2; minus strand). Cytogenetic location: 5q32.
Variant type: single nucleotide variant.
Coding change: c.3002G>A on transcript NM_024577.4 (MANE Select); coding-DNA position 3002, G replaced by A.
Protein change: p.Gly1001Glu; replaces glycine 1001 with glutamic acid.
Molecular consequence: missense variant.
Genome position (GRCh38, 1-based): chr5:149,026,623, C>T on the plus strand (G>A on the coding strand, the complement: SH3TC2 is on the minus strand). VCF-style: chr5-149026623-C-T. GRCh37 (hg19) VCF-style: chr5-148406186-C-T.
Other names: short protein forms G1001E.
Identifiers: ClinVar variation 4071759 (VCV004071759.1).

ClinVar aggregate classification (germline): Uncertain significance (1 of 4 stars; one submission).

gnomAD v4.1: 2 of 1,614,094 alleles (0.00012%); highest among the groups gnomAD compares: Admixed American, 0.0017%; no homozygotes.

Submission:

GeneDx
Classification: Uncertain significance. Last evaluated: 2025-01-22. Review status: criteria provided, single submitter. Criteria: GeneDx Variant Classification Process June 2021. Collection method: clinical testing. Allele origin: germline. Affected: yes.
Comment: Not observed at significant frequency in large population cohorts (gnomAD); In silico analysis supports that this missense variant has a deleterious effect on protein structure/function; Has not been previously published as pathogenic or benign to our knowledge